The following is an entry in ClinVar:

NM_003664.5(AP3B1):c.2492T>G (p.Val831Gly)

Gene: AP3B1 (adaptor related protein complex 3 subunit beta 1; minus strand). Cytogenetic location: 5q14.1.
Variant type: single nucleotide variant.
Coding change: c.2492T>G on transcript NM_003664.5 (MANE Select); coding-DNA position 2492, T replaced by G.
Protein change: p.Val831Gly; replaces valine 831 with glycine.
Molecular consequence: missense variant.
Genome position (GRCh38, 1-based): chr5:78,089,478, A>C on the plus strand (T>G on the coding strand, the complement: AP3B1 is on the minus strand). VCF-style: chr5-78089478-A-C. GRCh37 (hg19) VCF-style: chr5-77385302-A-C.
Other names: c.2345T>G, p.Val782Gly (NM_001271769.2); c.2492T>G, p.Val831Gly (NM_001410752.1); short protein forms V831G, V782G.
Identifiers: ClinVar variation 2129513 (VCV002129513.4), dbSNP rs149948974, ClinGen allele CA360333167.
Genomic context (GRCh38, chr5:78,089,478, plus strand): 5'-AAGTGTAAACCTTCAAGATCAGCCATCAAACTTGGAGAAAGAGCTGGTGTGGGAAGTGCA[A>C]CTGGAGTGGATACTGGGTTAACTGTAAGAAAAGGCCCAAATTAGTAAATGTGCATGAACG-3'
Protein context (NP_003655.3, residues 821-841): LDDFNPVSTP[Val831Gly]ALPTPALSPS

ClinVar aggregate classification (germline): Uncertain significance (1 of 4 stars; one submission).

Conditions:
Hermansky-Pudlak syndrome 2 (HPS2). Also called: Platelet defects and oculocutaneous albinism. Identifiers: Orphanet 183678, Orphanet 79430, MedGen C1842362, MONDO:0011997, OMIM 608233.

Submission:

Labcorp Genetics (formerly Invitae), Labcorp
Classification: Uncertain significance for Hermansky-Pudlak syndrome 2. Last evaluated: 2024-11-05. Review status: criteria provided, single submitter. Criteria: Invitae Variant Classification Sherloc (09022015). Collection method: clinical testing. Allele origin: germline.
Comment: This sequence change replaces valine, which is neutral and non-polar, with glycine, which is neutral and non-polar, at codon 831 of the AP3B1 protein (p.Val831Gly). This variant is not present in population databases (gnomAD no frequency). This variant has not been reported in the literature in individuals affected with AP3B1-related conditions. ClinVar contains an entry for this variant (Variation ID: 2129513). An algorithm developed to predict the effect of missense changes on protein structure and function (PolyPhen-2) suggests that this variant is likely to be tolerated. In summary, the available evidence is currently insufficient to determine the role of this variant in disease. Therefore, it has been classified as a Variant of Uncertain Significance.